The following is an entry in ClinVar:

NM_000264.5(PTCH1):c.241G>A (p.Ala81Thr)

Gene: PTCH1 (patched 1; minus strand). Cytogenetic location: 9q22.32.
Variant type: single nucleotide variant.
Coding change: c.241G>A on transcript NM_000264.5 (MANE Select); coding-DNA position 241, G replaced by A.
Protein change: p.Ala81Thr; replaces alanine 81 with threonine.
Molecular consequence: missense variant. On other transcripts: 5 prime UTR variant (4), non-coding transcript variant (1).
Genome position (GRCh38, 1-based): chr9:95,506,560, C>T on the plus strand (G>A on the coding strand, the complement: PTCH1 is on the minus strand). VCF-style: chr9-95506560-C-T. GRCh37 (hg19) VCF-style: chr9-98268842-C-T.
Other names: c.43G>A, p.Ala15Thr (NM_001083602.3, NM_001354919.2); c.238G>A, p.Ala80Thr (NM_001083603.3); c.-213G>A (NM_001083604.3, NM_001083605.3, NM_001083606.3 and 1 more transcripts); c.241G>A, p.Ala81Thr (NM_001354918.2); short protein forms A81T, A80T, A15T.
Identifiers: ClinVar variation 1470551 (VCV001470551.10), dbSNP rs2118880380, ClinGen allele CA374120595.
Genomic context (GRCh38, chr9:95,506,560, plus strand): 5'-ACTTGCCGCAGTTTTTTTGAATGTAACAACCCAGTTTAAATAAGAGTCTCTGAAACTTCG[C>T]TCTCAGCCACAGCGGCGCTTTCCGGCCAGTAGCCTTCCCCTGGGGACGAAGCAGAAGGGA-3'
Protein context (NP_000255.2, residues 71-91): TGRKAPLWLR[Ala81Thr]KFQRLLFKLG

ClinVar aggregate classification (germline): Uncertain significance. Review status: criteria provided, multiple submitters, no conflicts (2 of 4 stars). 2 submissions from 2 submitters: Uncertain significance (2). Last evaluated 2024-05-21.

Conditions:
Hereditary cancer-predisposing syndrome. Also called: Neoplastic Syndromes, Hereditary; Hereditary Cancer Syndrome; Tumor predisposition; Hereditary neoplastic syndrome. Identifiers: Orphanet 140162, MedGen C0027672, MeSH D009386, MONDO:0015356.
Gorlin syndrome. Also called: Nevoid Basal Cell Carcinoma Syndrome; Basal cell nevus syndrome. Identifiers: Orphanet 377, MedGen C0004779, MONDO:0007187.

Submissions (2):

Labcorp Genetics (formerly Invitae), Labcorp
Classification: Uncertain significance for Gorlin syndrome. Last evaluated: 2024-05-21. Review status: criteria provided, single submitter. Criteria: Invitae Variant Classification Sherloc (09022015). Collection method: clinical testing. Allele origin: germline.
Comment: This sequence change replaces alanine, which is neutral and non-polar, with threonine, which is neutral and polar, at codon 81 of the PTCH1 protein (p.Ala81Thr). This variant is not present in population databases (gnomAD no frequency). This variant has not been reported in the literature in individuals affected with PTCH1-related conditions. ClinVar contains an entry for this variant (Variation ID: 1470551). Advanced modeling of protein sequence and biophysical properties (such as structural, functional, and spatial information, amino acid conservation, physicochemical variation, residue mobility, and thermodynamic stability) performed at Invitae indicates that this missense variant is not expected to disrupt PTCH1 protein function with a negative predictive value of 95%. In summary, the available evidence is currently insufficient to determine the role of this variant in disease. Therefore, it has been classified as a Variant of Uncertain Significance.

Ambry Genetics
Classification: Uncertain significance for Hereditary cancer-predisposing syndrome. Last evaluated: 2023-01-20. Review status: criteria provided, single submitter. Criteria: Ambry Variant Classification Scheme 2023. Collection method: clinical testing. Allele origin: germline.
Comment: The p.A81T variant (also known as c.241G>A), located in coding exon 2 of the PTCH1 gene, results from a G to A substitution at nucleotide position 241. The alanine at codon 81 is replaced by threonine, an amino acid with similar properties. This amino acid position is highly conserved in available vertebrate species. In addition, the in silico prediction for this alteration is inconclusive. Since supporting evidence is limited at this time, the clinical significance of this alteration remains unclear.